The following is an entry in ClinVar:

NM_022124.6(CDH23):c.2959G>A (p.Asp987Asn)

Gene: CDH23 (cadherin related 23; plus strand). Cytogenetic location: 10q22.1.
Variant type: single nucleotide variant.
Coding change: c.2959G>A on transcript NM_022124.6 (MANE Select); coding-DNA position 2959, G replaced by A.
Protein change: p.Asp987Asn; replaces aspartic acid 987 with asparagine.
Molecular consequence: missense variant.
Genome position (GRCh38, 1-based): chr10:71,706,902, G>A. VCF-style: chr10-71706902-G-A. GRCh37 (hg19) VCF-style: chr10-73466659-G-A.
Other names: NM_022124.6(CDH23):c.2959G>A; p.Asp987Asn; c.2959G>A, p.Asp987Asn (NM_001171930.2, NM_001171931.2); short protein forms D987N.
Identifiers: ClinVar variation 1036903 (VCV001036903.13), dbSNP rs770665588, ClinGen allele CA5544406.

ClinVar aggregate classification (germline): Uncertain significance. Review status: reviewed by expert panel (3 of 4 stars). 6 submissions from 6 submitters: Uncertain significance (1). 5 of the submissions do not count toward it. Last evaluated 2025-10-08.

Conditions:
Pituitary adenoma 5, multiple types. Identifiers: MedGen C4539685, MONDO:0054601, OMIM 617540.
Nonsyndromic genetic hearing loss. Also called: Nonsyndromic hearing loss and deafness; Non-syndromic genetic deafness; Nonsyndromic genetic deafness. Identifiers: Orphanet 87884, MedGen C5680182, MONDO:0019497.
Autosomal recessive nonsyndromic hearing loss 12. Also called: DEAFNESS, AUTOSOMAL RECESSIVE 12. Identifiers: Orphanet 90636, MedGen C1832394, MONDO:0011067, OMIM 601386.

Allele frequency attached by ClinVar (database versions not stated): gnomAD exomes 0.00001 and 0.00002; ExAC 0.00004.
gnomAD v4.1: 3 of 1,599,630 alleles (0.00019%); highest among the groups gnomAD compares: Admixed American, 0.0052%; no homozygotes.

Submissions (6):

ClinGen Hearing Loss Variant Curation Expert Panel
Classification: Uncertain significance for Nonsyndromic genetic hearing loss. Last evaluated: 2025-10-08. Review status: reviewed by expert panel. Criteria: Clingen Hl Acmg Specifications Cdh23 Coch Gjb2 Kcnq4 Myo6 Myo7a Slc26a4 Tecta Ush2a V2. Collection method: curation. Allele origin: germline. Inheritance: Autosomal recessive inheritance.
Comment: The NM_022124.6(CDH23):c.2959G>A variant in the CDH23 gene is a missense variant predicted to cause the substitution of aspartic acid vy asparagine at amino acid 987. This individual is compound heterozygous for the variant and a pathogenic variant confirmed in trans by family testing (PMID : 26226137)(PM3). The allele frequency of this variant is 0.001% (3/58080) of Admixed American chromosomes by gnomAD v.4, which is lower than the thresholds defined by the ClinGen Hearing Loss Expert Panel for PM2_Supporting, meeting this criterion (PM2_Supporting). The computational predictor REVEL gives a score of 0.48, which is neither above nor below the thresholds predicting a damaging or benign impact on CDH23 function. In summary, this variant has been classified as a variant of uncertain significance for autosomal recessive hearing loss based on the ACMG/AMP criteria applied, as specified by the ClinGen Hearing Loss VCEP: PM2_P, PM3 (ClinGen Hearing Loss VCEP specifications version 2; 10/8/2025).

Women's Health and Genetics/Laboratory Corporation of America, LabCorp
Classification: Uncertain significance. Last evaluated: 2025-06-12. Review status: criteria provided, single submitter. Criteria: LabCorp Variant Classification Summary - May 2015. Collection method: clinical testing. Allele origin: germline. Not counted in ClinVar's aggregate classification.
Comment: Variant summary: CDH23 c.2959G>A (p.Asp987Asn) results in a conservative amino acid change in the encoded protein sequence. Algorithms developed to predict the effect of missense changes on protein structure and function are either unavailable or do not agree on the potential impact of this missense change. The variant allele was found at a frequency of 1.8e-05 in 224614 control chromosomes (gnomAD). The available data on variant occurrences in the general population are insufficient to allow any conclusion about variant significance. c.2959G>A has been reported in the literature in individuals affected with autosomal recessive hearing loss (example, Bademci_2015, Carlson_2023, Rodriguez-Valero_2024). These data do not allow any conclusion about variant significance. To our knowledge, no experimental evidence demonstrating an impact on protein function has been reported. The following publications have been ascertained in the context of this evaluation (PMID: 26226137, 36633841, 38855775). ClinVar contains an entry for this variant (Variation ID: 1036903). Based on the evidence outlined above, the variant was classified as uncertain significance.

GeneDx
Classification: Uncertain significance. Last evaluated: 2024-06-17. Review status: criteria provided, single submitter. Criteria: GeneDx Variant Classification Process June 2021. Collection method: clinical testing. Allele origin: germline. Affected: yes. Not counted in ClinVar's aggregate classification.
Comment: Observed with a second CDH23 variant in an individual with hearing loss in published literature (PMID: 26226137); In silico analysis supports that this missense variant has a deleterious effect on protein structure/function; This variant is associated with the following publications: (PMID: 26226137, 34652575)

Baylor Genetics
Classification: Likely pathogenic for Pituitary adenoma 5, multiple types. Last evaluated: 2023-08-18. Review status: criteria provided, single submitter. Criteria: ACMG Guidelines, 2015. Collection method: clinical testing. Allele origin: unknown. Not counted in ClinVar's aggregate classification.

King Laboratory, University of Washington
Classification: Likely pathogenic for Autosomal recessive nonsyndromic hearing loss 12. Last evaluated: 2023-02-28. Review status: criteria provided, single submitter. Criteria: Li et al. (Genet Med. 2022). Collection method: research. Allele origin: unknown. Affected: yes. Not counted in ClinVar's aggregate classification.
Comment: This variant occurred in compound heterozygosity with a CDH23 frameshift variant in a patient with bilateral sensorineural hearing loss of onset <18 years, in a study of pediatric hearing loss conducted by the King Laboratory (Carlson RJ et al. JAMA-OtoHNS 2023). This variant is a missense at a completely conserved site and is predicted to be damaging by multiple in-silico tools. As of January 2023, this variant has not been reported to ClinVar and is not found on gnomAD. Based on compound heterozygosity with a loss-of-function variant, consistently predicted functional effect, and goodness of fit of genotype to phenotype, we conclude that this variant is likely pathogenic.

Labcorp Genetics (formerly Invitae), Labcorp
Classification: Uncertain significance. Last evaluated: 2021-08-13. Review status: criteria provided, single submitter. Criteria: Invitae Variant Classification Sherloc (09022015). Collection method: clinical testing. Allele origin: germline. Not counted in ClinVar's aggregate classification.
Comment: This sequence change replaces aspartic acid with asparagine at codon 987 of the CDH23 protein (p.Asp987Asn). The aspartic acid residue is highly conserved and there is a small physicochemical difference between aspartic acid and asparagine. This variant is present in population databases (rs770665588, ExAC 0.06%). This missense change has been observed in individual(s) with autosomal recessive non-syndromic hearing loss (PMID: 26226137; Invitae). Algorithms developed to predict the effect of missense changes on protein structure and function are either unavailable or do not agree on the potential impact of this missense change (SIFT: "Deleterious"; PolyPhen-2: "Not Available"; Align-GVGD: "Class C15"). In summary, the available evidence is currently insufficient to determine the role of this variant in disease. Therefore, it has been classified as a Variant of Uncertain Significance.

Literature cited by the submitters: PubMed 26226137 (cited by Women's Health and Genetics/Laboratory Corporation of America, LabCorp and Labcorp Genetics (formerly Invitae), Labcorp); PubMed 36633841 (cited by Women's Health and Genetics/Laboratory Corporation of America, LabCorp and King Laboratory, University of Washington); PubMed 38855775 (cited by Women's Health and Genetics/Laboratory Corporation of America, LabCorp).